The following is an entry in ClinVar:

ClinVar aggregate classification (germline): Benign/Likely benign. Review status: criteria provided, multiple submitters, no conflicts (2 of 4 stars). 3 submissions from 3 submitters: Benign (1); Likely benign (2). Last evaluated 2025-02-27.

Conditions:
Hereditary cancer-predisposing syndrome. Also called: Hereditary Cancer Syndrome; Hereditary neoplastic syndrome; Tumor predisposition; Neoplastic Syndromes, Hereditary. Identifiers: Orphanet 140162, MedGen C0027672, MeSH D009386, MONDO:0015356.
Multiple endocrine neoplasia, type 2 (MEN2). Identifiers: Orphanet 653, MedGen C4048306, MONDO:0019003. Disease mechanism: gain of function.
Multiple endocrine neoplasia type 2A. Also called: MULTIPLE ENDOCRINE NEOPLASIA, TYPE IIA; PTC SYNDROME; SIPPLE SYNDROME; MEN 2A; MEN-2A syndrome; Pheochromocytoma and amyloid producing medullary thyroid carcinoma. Identifiers: Orphanet 247698, Orphanet 653, MedGen C0025268, MeSH D018813, MONDO:0008234, OMIM 171400.

gnomAD v4.1: 2 of 1,610,414 alleles (0.00012%); highest among the groups gnomAD compares: East Asian, 0.0045%; no homozygotes.

Submissions (3):

Myriad Genetics, Inc.
Classification: Benign for Multiple endocrine neoplasia type 2A. Last evaluated: 2025-02-27. Review status: criteria provided, single submitter. Criteria: Myriad Autosomal Dominant, Autosomal Recessive and X-Linked Classification Criteria (2023). Collection method: clinical testing. Allele origin: unknown.
Comment: This variant is considered benign. This variant is a silent/synonymous amino acid change and it is not expected to impact splicing.

Labcorp Genetics (formerly Invitae), Labcorp
Classification: Likely benign for Multiple endocrine neoplasia, type 2. Last evaluated: 2023-04-09. Review status: criteria provided, single submitter. Criteria: Invitae Variant Classification Sherloc (09022015). Collection method: clinical testing. Allele origin: germline.

Ambry Genetics
Classification: Likely benign for Hereditary cancer-predisposing syndrome. Last evaluated: 2019-06-02. Review status: criteria provided, single submitter. Criteria: Ambry Variant Classification Scheme 2023. Collection method: clinical testing. Allele origin: germline.

NM_020975.6(RET):c.2437C>A (p.Arg813=)

Gene: RET (ret proto-oncogene; plus strand). Cytogenetic location: 10q11.21.
Variant type: single nucleotide variant.
Coding change: c.2437C>A on transcript NM_020975.6 (MANE Select); coding-DNA position 2437, C replaced by A.
Protein change: p.Arg813=; no amino-acid change (arginine 813 retained).
Molecular consequence: synonymous variant.
Genome position (GRCh38, 1-based): chr10:43,119,575, C>A. VCF-style: chr10-43119575-C-A. GRCh37 (hg19) VCF-style: chr10-43615023-C-A.
Other names: c.2437C>A, p.Arg813= (NM_000323.2, NM_001406743.1, NM_001406744.1 and 4 more transcripts); c.1675C>A, p.Arg559= (NM_001355216.2); c.2308C>A, p.Arg770= (NM_001406761.1, NM_001406762.1, NM_001406764.1); c.2302C>A, p.Arg768= (NM_001406763.1, NM_001406765.1); c.2149C>A, p.Arg717= (NM_001406766.1, NM_001406767.1, NM_001406770.1); c.2173C>A, p.Arg725= (NM_001406768.1); c.2041C>A, p.Arg681= (NM_001406769.1, NM_001406772.1); c.1999C>A, p.Arg667= (NM_001406771.1, NM_001406773.1); and 10 more.
Identifiers: ClinVar variation 1791242 (VCV001791242.6), dbSNP rs779996040, ClinGen allele CA469479803.
Genomic context (GRCh38, chr10:43,119,575, plus strand): 5'-CTCTCTCCGCCCCCAGGCCCGCTCCTCCTCATCGTGGAGTACGCCAAATACGGCTCCCTG[C>A]GGGGCTTCCTCCGCGAGAGCCGCAAAGTGGGGCCTGGCTACCTGGGCAGTGGAGGCAGCC-3'
Protein context (NP_066124.1, residues 803-823): IVEYAKYGSL[Arg813=]GFLRESRKVG